The following is an entry in ClinVar:

NM_000257.4(MYH7):c.4306A>G (p.Asn1436Asp)

Genes: MHRT (myosin heavy chain associated RNA transcript; plus strand), MYH7 (myosin heavy chain 7; minus strand). Cytogenetic location: 14q11.2.
Variant type: single nucleotide variant.
Coding change: c.4306A>G on transcript NM_000257.4 (MANE Select); coding-DNA position 4306, A replaced by G.
Protein change: p.Asn1436Asp; replaces asparagine 1436 with aspartic acid.
Molecular consequence: missense variant. On other transcripts: non-coding transcript variant (1).
Genome position (GRCh38, 1-based): chr14:23,417,550, T>C on the plus strand (A>G on the coding strand, the complement: MYH7 is on the minus strand). VCF-style: chr14-23417550-T-C. GRCh37 (hg19) VCF-style: chr14-23886759-T-C.
Other names: short protein forms N1436D.
Identifiers: ClinVar variation 1023364 (VCV001023364.8), dbSNP rs1892272742, ClinGen allele CA389040154.

ClinVar aggregate classification (germline): Uncertain significance (1 of 4 stars; one submission).

Conditions:
Hypertrophic cardiomyopathy. Also called: HYPERTROPHIC MYOCARDIOPATHY. Identifiers: Orphanet 217569, MedGen C0007194, MeSH D002312, MONDO:0005045, HP:0001639.

Allele frequency attached by ClinVar (database versions not stated): gnomAD exomes below 0.00001; TOPMed 0.00002.
gnomAD v4.1: 1 of 1,612,374 alleles (0.000062%); highest among the groups gnomAD compares: Non-Finnish European, 0.000085%; no homozygotes.

Submission:

Labcorp Genetics (formerly Invitae), Labcorp
Classification: Uncertain significance for Hypertrophic cardiomyopathy. Last evaluated: 2020-05-31. Review status: criteria provided, single submitter. Criteria: Invitae Variant Classification Sherloc (09022015). Collection method: clinical testing. Allele origin: germline.
Comment: This sequence change replaces asparagine with aspartic acid at codon 1436 of the MYH7 protein (p.Asn1436Asp). The asparagine residue is highly conserved and there is a small physicochemical difference between asparagine and aspartic acid. This variant is not present in population databases (ExAC no frequency). This variant has not been reported in the literature in individuals with MYH7-related conditions. Algorithms developed to predict the effect of missense changes on protein structure and function are either unavailable or do not agree on the potential impact of this missense change (SIFT: "Deleterious"; PolyPhen-2: "Probably Damaging"; Align-GVGD: "Class C0"). In summary, the available evidence is currently insufficient to determine the role of this variant in disease. Therefore, it has been classified as a Variant of Uncertain Significance.